The following is an entry in ClinVar:

NM_001010909.5(MUC21):c.1176C>T (p.Thr392=)

Genes: MUC21 (mucin 21, cell surface associated; plus strand), LOC126859647 (CDK7 strongly-dependent group 2 enhancer GRCh37_chr6:30954612-30955811; plus strand). Cytogenetic location: 6p21.33.
Variant type: single nucleotide variant.
Coding change: c.1176C>T on transcript NM_001010909.5 (MANE Select); coding-DNA position 1176, C replaced by T.
Protein change: p.Thr392=; no amino-acid change (threonine 392 retained).
Molecular consequence: synonymous variant. On other transcripts: non-coding transcript variant (1).
Genome position (GRCh38, 1-based): chr6:30,987,351, C>T. VCF-style: chr6-30987351-C-T. GRCh37 (hg19) VCF-style: chr6-30955128-C-T.
Other names: c.1266C>T, p.Asn422= (NM_001322370.2, NM_001322371.2).
Identifiers: ClinVar variation 2656380 (VCV002656380.24), dbSNP rs1358533534, ClinGen allele CA449782584.
Genomic context (GRCh38, chr6:30,987,351, plus strand): 5'-CAGCACAGCCACCAACTCTGAGTCCAGCACAGTGTCCAGTGGGGCCAGCACAGCCACCAC[C>T]TCTGAGTCCAGCACGACCTCCAGTGGGGCCAGCACAGCCACCAACTCTGAGTCCAGCACA-3'
Protein context (NP_001010909.2, residues 382-402): TVSSGASTAT[Thr392=]SESSTTSSGA

ClinVar aggregate classification (germline): Likely benign (1 of 4 stars; one submission).

Submission:

CeGaT Center for Human Genetics Tuebingen
Classification: Likely benign. Last evaluated: 2025-02-01. Review status: criteria provided, single submitter. Criteria: CeGaT Center For Human Genetics Tuebingen Variant Classification Criteria Version 2. Collection method: clinical testing. Allele origin: germline. Affected: yes. Observed: 2 variant alleles.
Comment: MUC21: PM2:Supporting, BP4, BP7